The following is an entry in ClinVar:

NM_004360.5(CDH1):c.2093C>T (p.Ala698Val)

Gene: CDH1 (cadherin 1; plus strand). Cytogenetic location: 16q22.1.
Variant type: single nucleotide variant.
Coding change: c.2093C>T on transcript NM_004360.5 (MANE Select); coding-DNA position 2093, C replaced by T.
Protein change: p.Ala698Val; replaces alanine 698 with valine.
Molecular consequence: missense variant.
Genome position (GRCh38, 1-based): chr16:68,823,555, C>T. VCF-style: chr16-68823555-C-T. GRCh37 (hg19) VCF-style: chr16-68857458-C-T.
Other names: c.2093C>T (LRG_301t1); c.1910C>T, p.Ala637Val (NM_001317184.2); c.545C>T, p.Ala182Val (NM_001317185.2); c.128C>T, p.Ala43Val (NM_001317186.2); short protein forms A698V, A182V, A43V, A637V.
Identifiers: ClinVar variation 421784 (VCV000421784.16), dbSNP rs1064795359, ClinGen allele CA16620256.

ClinVar aggregate classification (germline): Uncertain significance. Review status: criteria provided, multiple submitters, no conflicts (2 of 4 stars). 3 submissions from 3 submitters: Uncertain significance (3). Last evaluated 2024-07-24.

Conditions:
Hereditary cancer-predisposing syndrome. Also called: Hereditary neoplastic syndrome; Hereditary Cancer Syndrome; Neoplastic Syndromes, Hereditary; Tumor predisposition. Identifiers: Orphanet 140162, MedGen C0027672, MeSH D009386, MONDO:0015356.
Hereditary diffuse gastric adenocarcinoma (HDGC). Also called: DIFFUSE GASTRIC AND LOBULAR BREAST CANCER SYNDROME. Identifiers: Orphanet 26106, MedGen C1708349, MONDO:0007648, OMIM 137215.

Submissions (3):

Ambry Genetics
Classification: Uncertain significance for Hereditary cancer-predisposing syndrome. Last evaluated: 2024-07-24. Review status: criteria provided, single submitter. Criteria: Ambry Variant Classification Scheme 2023. Collection method: clinical testing. Allele origin: germline.
Comment: The p.A698V variant (also known as c.2093C>T), located in coding exon 13 of the CDH1 gene, results from a C to T substitution at nucleotide position 2093. The alanine at codon 698 is replaced by valine, an amino acid with similar properties. This amino acid position is poorly conserved in available vertebrate species. In addition, this alteration is predicted to be tolerated by in silico analysis. Based on the available evidence, the clinical significance of this variant remains unclear.

Labcorp Genetics (formerly Invitae), Labcorp
Classification: Uncertain significance for Hereditary diffuse gastric adenocarcinoma. Last evaluated: 2024-04-29. Review status: criteria provided, single submitter. Criteria: Invitae Variant Classification Sherloc (09022015). Collection method: clinical testing. Allele origin: germline.
Comment: This sequence change replaces alanine, which is neutral and non-polar, with valine, which is neutral and non-polar, at codon 698 of the CDH1 protein (p.Ala698Val). This variant is not present in population databases (gnomAD no frequency). This variant has not been reported in the literature in individuals affected with CDH1-related conditions. ClinVar contains an entry for this variant (Variation ID: 421784). Algorithms developed to predict the effect of missense changes on protein structure and function output the following: SIFT: "Not Available"; PolyPhen-2: "Benign"; Align-GVGD: "Not Available". The valine amino acid residue is found in multiple mammalian species, which suggests that this missense change does not adversely affect protein function. Algorithms developed to predict the effect of sequence changes on RNA splicing suggest that this variant may create or strengthen a splice site. In summary, the available evidence is currently insufficient to determine the role of this variant in disease. Therefore, it has been classified as a Variant of Uncertain Significance.

GeneDx
Classification: Uncertain significance. Last evaluated: 2016-07-25. Review status: criteria provided, single submitter. Criteria: GeneDx Variant Classification (06012015). Collection method: clinical testing. Allele origin: germline. Affected: yes.
Comment: This variant is denoted CDH1 c.2093C>T at the cDNA level, p.Ala698Val (A698V) at the protein level, and results in the change of an Alanine to a Valine (GCA>GTA). This variant has not, to our knowledge, been published in the literature as pathogenic or benign. CDH1 Ala698Val was not observed in approximately 6,500 individuals of European and African American ancestry in the NHLBI Exome Sequencing Project, suggesting it is not a common benign variant in these populations. Since Alanine and Valine share similar properties, this is considered a conservative amino acid substitution. CDH1 Ala698Val occurs at a position that is not conserved and is not located in a known functional domain. In silico analyses are inconsistent regarding the effect this variant may have on protein structure and function. Splicing models suggest that a cryptic splice donor site is created upstream of the natural splice donor site; however the natural splice donor site is not predicted to be changed. Based on currently available evidence, it is unclear whether CDH1 Ala698Val is a pathogenic or benign variant. We consider it to be a variant of uncertain significance.